The following is an entry in ClinVar:

ClinVar aggregate classification (germline): Uncertain significance. Review status: criteria provided, multiple submitters, no conflicts (2 of 4 stars). 3 submissions from 3 submitters: Uncertain significance (3). Last evaluated 2024-06-05.

Conditions:
Hereditary cancer-predisposing syndrome. Also called: Hereditary Cancer Syndrome; Neoplastic Syndromes, Hereditary; Hereditary neoplastic syndrome; Tumor predisposition. Identifiers: Orphanet 140162, MedGen C0027672, MeSH D009386, MONDO:0015356.
Familial thoracic aortic aneurysm and aortic dissection (TAAD). Also called: Thoracic aortic aneurysms and dissections. Identifiers: Orphanet 91387, MedGen C4707243, MONDO:0019625.
Familial pancreatic carcinoma. Identifiers: Orphanet 1333, MedGen C2931038, MONDO:0015278, OMIM 260350.
Juvenile polyposis syndrome (JPS). Identifiers: Orphanet 2929, MedGen C0345893, MONDO:0017380, OMIM 174900.
Myhre syndrome (MYHRS). Also called: LARYNGOTRACHEAL STENOSIS, ARTHROPATHY, PROGNATHISM, AND SHORT STATURE; LAPS SYNDROME. Identifiers: Orphanet 2588, MedGen C0796081, MONDO:0007688, OMIM 139210.
Juvenile polyposis/hereditary hemorrhagic telangiectasia syndrome (JPHT). Also called: JP/HHT SYNDROME; JUVENILE POLYPOSIS WITH HEREDITARY HEMORRHAGIC TELANGIECTASIA; POLYPOSIS, GENERALIZED JUVENILE, WITH PULMONARY ARTERIOVENOUS MALFORMATION; TELANGIECTASIA, HEREDITARY HEMORRHAGIC, WITH JUVENILE POLYPOSIS COLI; Juvenile Polyposis Syndrome / Hereditary Hemorrhagic Telangiectasia (JPS/HHT). Identifiers: Orphanet 2929, MedGen C1832942, MONDO:0008278, OMIM 175050.

Submissions (3):

Fulgent Genetics
Classification: Uncertain significance for Myhre syndrome; Juvenile polyposis syndrome; Juvenile polyposis/hereditary hemorrhagic telangiectasia syndrome; Familial pancreatic carcinoma. Last evaluated: 2024-06-05. Review status: criteria provided, single submitter. Criteria: ACMG Guidelines, 2015. Collection method: clinical testing. Allele origin: germline.

Labcorp Genetics (formerly Invitae), Labcorp
Classification: Uncertain significance for Juvenile polyposis syndrome. Last evaluated: 2022-04-07. Review status: criteria provided, single submitter. Criteria: Invitae Variant Classification Sherloc (09022015). Collection method: clinical testing. Allele origin: germline.
Comment: In summary, the available evidence is currently insufficient to determine the role of this variant in disease. Therefore, it has been classified as a Variant of Uncertain Significance. Advanced modeling of protein sequence and biophysical properties (such as structural, functional, and spatial information, amino acid conservation, physicochemical variation, residue mobility, and thermodynamic stability) performed at Invitae indicates that this missense variant is expected to disrupt SMAD4 protein function. ClinVar contains an entry for this variant (Variation ID: 1055211). This variant has not been reported in the literature in individuals affected with SMAD4-related conditions. This variant is not present in population databases (gnomAD no frequency). This sequence change replaces serine, which is neutral and polar, with asparagine, which is neutral and polar, at codon 411 of the SMAD4 protein (p.Ser411Asn).

Ambry Genetics
Classification: Uncertain significance for Hereditary cancer-predisposing syndrome; Familial thoracic aortic aneurysm and aortic dissection. Last evaluated: 2021-12-30. Review status: criteria provided, single submitter. Criteria: Ambry Variant Classification Scheme 2023. Collection method: clinical testing. Allele origin: germline.
Comment: The p.S411N variant (also known as c.1232G>A), located in coding exon 9 of the SMAD4 gene, results from a G to A substitution at nucleotide position 1232. The serine at codon 411 is replaced by asparagine, an amino acid with highly similar properties. This amino acid position is highly conserved in available vertebrate species. In addition, this alteration is predicted to be deleterious by in silico analysis. Since supporting evidence is limited at this time, the clinical significance of this alteration remains unclear.

NM_005359.6(SMAD4):c.1232G>A (p.Ser411Asn)

Gene: SMAD4 (SMAD family member 4; plus strand). Cytogenetic location: 18q21.2.
Variant type: single nucleotide variant.
Coding change: c.1232G>A on transcript NM_005359.6 (MANE Select); coding-DNA position 1232, G replaced by A.
Protein change: p.Ser411Asn; replaces serine 411 with asparagine.
Molecular consequence: missense variant.
Genome position (GRCh38, 1-based): chr18:51,067,111, G>A. VCF-style: chr18-51067111-G-A. GRCh37 (hg19) VCF-style: chr18-48593481-G-A.
Other names: short protein forms S411N.
Identifiers: ClinVar variation 1055211 (VCV001055211.12), dbSNP rs2144452401, ClinGen allele CA402464912.